The following is an entry in ClinVar:

NM_003482.4(KMT2D):c.1736C>T (p.Ser579Leu)

Gene: KMT2D (lysine methyltransferase 2D; minus strand). Cytogenetic location: 12q13.12.
Variant type: single nucleotide variant.
Coding change: c.1736C>T on transcript NM_003482.4 (MANE Select); coding-DNA position 1736, C replaced by T.
Protein change: p.Ser579Leu; replaces serine 579 with leucine.
Molecular consequence: missense variant.
Genome position (GRCh38, 1-based): chr12:49,051,947, G>A on the plus strand (C>T on the coding strand, the complement: KMT2D is on the minus strand). VCF-style: chr12-49051947-G-A. GRCh37 (hg19) VCF-style: chr12-49445730-G-A.
Other names: short protein forms S579L.
Identifiers: ClinVar variation 4808373 (VCV004808373.1).

ClinVar aggregate classification (germline): Uncertain significance (1 of 4 stars; one submission).

Conditions:
Kabuki syndrome. Also called: Kabuki make-up syndrome; NIIKAWA-KUROKI SYNDROME. Identifiers: Orphanet 2322, MedGen C0796004, MONDO:0016512.

Submission:

Labcorp Genetics (formerly Invitae), Labcorp
Classification: Uncertain significance for Kabuki syndrome. Last evaluated: 2025-02-27. Review status: criteria provided, single submitter. Criteria: Invitae Variant Classification Sherloc (09022015). Collection method: clinical testing. Allele origin: germline.
Comment: This sequence change replaces serine, which is neutral and polar, with leucine, which is neutral and non-polar, at codon 579 of the KMT2D protein (p.Ser579Leu). This variant is not present in population databases (gnomAD no frequency). This variant has not been reported in the literature in individuals affected with KMT2D-related conditions. Invitae Evidence Modeling of protein sequence and biophysical properties (such as structural, functional, and spatial information, amino acid conservation, physicochemical variation, residue mobility, and thermodynamic stability) indicates that this missense variant is not expected to disrupt KMT2D protein function with a negative predictive value of 95%. In summary, the available evidence is currently insufficient to determine the role of this variant in disease. Therefore, it has been classified as a Variant of Uncertain Significance.